The following is an entry in ClinVar:

NM_002857.4(PEX19):c.181-2A>G

Gene: PEX19 (peroxisomal biogenesis factor 19; minus strand). Cytogenetic location: 1q23.2.
Variant type: single nucleotide variant.
Coding change: c.181-2A>G on transcript NM_002857.4 (MANE Select); the canonical splice acceptor site of the intron before coding-DNA position 181, A replaced by G.
Molecular consequence: splice acceptor variant.
Genome position (GRCh38, 1-based): chr1:160,283,111, T>C on the plus strand (A>G on the coding strand, the complement: PEX19 is on the minus strand). VCF-style: chr1-160283111-T-C. GRCh37 (hg19) VCF-style: chr1-160252901-T-C.
Other names: c.181-2A>G (NM_001193644.1).
Identifiers: ClinVar variation 1066362 (VCV001066362.7), dbSNP rs2101804905, ClinGen allele CA343264123.

ClinVar aggregate classification (germline): Likely pathogenic (1 of 4 stars; one submission).

Conditions:
Peroxisome biogenesis disorder 12A (Zellweger). Also called: Peroxisome biogenesis disorder 12A. Identifiers: Orphanet 912, MedGen C3554002, MONDO:0013951, OMIM 614886.

gnomAD v4.1: 1 of 1,613,238 alleles (0.000062%); no homozygotes.

Submission:

Labcorp Genetics (formerly Invitae), Labcorp
Classification: Likely pathogenic for Peroxisome biogenesis disorder 12A (Zellweger). Last evaluated: 2022-02-03. Review status: criteria provided, single submitter. Criteria: Invitae Variant Classification Sherloc (09022015). Collection method: clinical testing. Allele origin: germline.
Comment: In summary, the currently available evidence indicates that the variant is pathogenic, but additional data are needed to prove that conclusively. Therefore, this variant has been classified as Likely Pathogenic. Algorithms developed to predict the effect of sequence changes on RNA splicing suggest that this variant may disrupt the consensus splice site. ClinVar contains an entry for this variant (Variation ID: 1066362). This variant has not been reported in the literature in individuals affected with PEX19-related conditions. This variant is not present in population databases (gnomAD no frequency). This sequence change affects an acceptor splice site in intron 2 of the PEX19 gene. It is expected to disrupt RNA splicing. Variants that disrupt the donor or acceptor splice site typically lead to a loss of protein function (PMID: 16199547), and loss-of-function variants in PEX19 are known to be pathogenic (PMID: 10051604, 20683989, 21031596).

Literature cited by the submitters: PubMed 16199547; PubMed 10051604; PubMed 20683989; PubMed 21031596.